The following is an entry in ClinVar:

ClinVar aggregate classification (germline): Uncertain significance (1 of 4 stars; one submission).

Conditions:
Oligodontia-cancer predisposition syndrome. Also called: TOOTH AGENESIS-COLORECTAL CANCER SYNDROME. Identifiers: Orphanet 300576, MedGen C1837750, MONDO:0012075, OMIM 608615. Disease mechanism: loss of function.

Submission:

Labcorp Genetics (formerly Invitae), Labcorp
Classification: Uncertain significance for Oligodontia-cancer predisposition syndrome. Last evaluated: 2022-02-04. Review status: criteria provided, single submitter. Criteria: Invitae Variant Classification Sherloc (09022015). Collection method: clinical testing. Allele origin: germline.
Comment: This variant is not present in population databases (gnomAD no frequency). In summary, the available evidence is currently insufficient to determine the role of this variant in disease. Therefore, it has been classified as a Variant of Uncertain Significance. Variants that disrupt the consensus splice site are a relatively common cause of aberrant splicing (PMID: 17576681, 9536098). Algorithms developed to predict the effect of sequence changes on RNA splicing suggest that this variant may disrupt the consensus splice site. This variant has not been reported in the literature in individuals affected with AXIN2-related conditions. This sequence change affects a donor splice site in intron 10 of the AXIN2 gene. While this variant is not anticipated to result in nonsense mediated decay, it likely alters RNA splicing and results in a disrupted protein product.

Literature cited by the submitters: PubMed 17576681; PubMed 9536098.

NM_004655.4(AXIN2):c.2405+2T>G

Gene: AXIN2 (axin 2; minus strand). Cytogenetic location: 17q24.1.
Variant type: single nucleotide variant.
Coding change: c.2405+2T>G on transcript NM_004655.4 (MANE Select); the canonical splice donor site of the intron after coding-DNA position 2405, T replaced by G.
Molecular consequence: splice donor variant.
Genome position (GRCh38, 1-based): chr17:65,533,910, A>C on the plus strand (T>G on the coding strand, the complement: AXIN2 is on the minus strand). VCF-style: chr17-65533910-A-C. GRCh37 (hg19) VCF-style: chr17-63530028-A-C.
Other names: c.2210+2T>G (NM_001363813.1).
Identifiers: ClinVar variation 2093020 (VCV002093020.4), dbSNP rs2509388271, ClinGen allele CA400675304.